The following is an entry in ClinVar:

ClinVar aggregate classification (germline): Conflicting classifications of pathogenicity. Review status: criteria provided, conflicting classifications (1 of 4 stars). 3 submissions from 3 submitters: Uncertain significance (1); Likely benign (1). 1 of the submissions does not count toward it. Last evaluated 2018-05-28.

Conditions:
EHHADH-related disorder. Also called: EHHADH-related condition.

Allele frequency attached by ClinVar (database versions not stated): gnomAD exomes 0.00015 and 0.00035; ExAC 0.00036; 1000 Genomes Project 0.00120; ESP Exome Variant Server 0.00138; 1000 Genomes Project 30x 0.00141; gnomAD 0.00149 and 0.00159; TOPMed 0.00152.
gnomAD v4.1: 467 of 1,614,150 alleles (0.029%); highest among the groups gnomAD compares: African/African-American, 0.48%; 2 homozygotes.

Submissions (3):

Labcorp Genetics (formerly Invitae), Labcorp
Classification: Likely benign. Last evaluated: 2018-05-28. Review status: criteria provided, single submitter. Criteria: Invitae Variant Classification Sherloc (09022015). Collection method: clinical testing. Allele origin: germline.

Eurofins Ntd Llc (ga)
Classification: Uncertain significance. Last evaluated: 2017-02-08. Review status: criteria provided, single submitter. Criteria: EGL Classification Definitions 2015. Collection method: clinical testing. Allele origin: germline. Observed: 5 variant alleles, 5 heterozygotes.

PreventionGenetics, part of Exact Sciences
Classification: Likely benign for EHHADH-related condition. Last evaluated: 2019-05-28. Review status: no assertion criteria provided. Collection method: clinical testing. Allele origin: germline. Not counted in ClinVar's aggregate classification.
Comment: This variant is classified as likely benign based on ACMG/AMP sequence variant interpretation guidelines (Richards et al. 2015 PMID: 25741868, with internal and published modifications).

NM_001966.4(EHHADH):c.1666A>G (p.Arg556Gly)

Gene: EHHADH (enoyl-CoA hydratase and 3-hydroxyacyl CoA dehydrogenase; minus strand). Cytogenetic location: 3q27.2.
Variant type: single nucleotide variant.
Coding change: c.1666A>G on transcript NM_001966.4 (MANE Select); coding-DNA position 1666, A replaced by G.
Protein change: p.Arg556Gly; replaces arginine 556 with glycine.
Molecular consequence: missense variant.
Genome position (GRCh38, 1-based): chr3:185,192,732, T>C on the plus strand (A>G on the coding strand, the complement: EHHADH is on the minus strand). VCF-style: chr3-185192732-T-C. GRCh37 (hg19) VCF-style: chr3-184910520-T-C.
Other names: c.1378A>G, p.Arg460Gly (NM_001166415.2); short protein forms R556G, R460G.
Identifiers: ClinVar variation 500411 (VCV000500411.11), dbSNP rs140735525, ClinGen allele CA2738935.